The following is an entry in ClinVar:

ClinVar aggregate classification (germline): Uncertain significance (1 of 4 stars; one submission).

Conditions:
CUX2-related disorder. Also called: CUX2-related condition.

gnomAD v4.1: 2 of 1,605,484 alleles (0.00012%); highest among the groups gnomAD compares: Admixed American, 0.0034%; no homozygotes.

Submission:

PreventionGenetics, part of Exact Sciences
Classification: Uncertain significance for CUX2-related condition. Last evaluated: 2026-07-10. Review status: criteria provided, single submitter. Criteria: ACMG Guidelines, 2015. Collection method: clinical testing. Allele origin: germline.
Comment: The CUX2 c.101G>T variant is predicted to result in the amino acid substitution p.Arg34Leu. To our knowledge, this variant has not been reported in the literature. This variant is reported in 0.0030% of alleles in individuals of Latino descent in gnomAD. At this time, the clinical significance of this variant is uncertain due to the absence of conclusive functional and genetic evidence.

NM_015267.4(CUX2):c.101G>T (p.Arg34Leu)

Gene: CUX2 (cut like homeobox 2; plus strand). Cytogenetic location: 12q24.11.
Variant type: single nucleotide variant.
Coding change: c.101G>T on transcript NM_015267.4 (MANE Select); coding-DNA position 101, G replaced by T.
Protein change: p.Arg34Leu; replaces arginine 34 with leucine.
Molecular consequence: missense variant. On other transcripts: 5 prime UTR variant (1).
Genome position (GRCh38, 1-based): chr12:111,214,237, G>T. VCF-style: chr12-111214237-G-T. GRCh37 (hg19) VCF-style: chr12-111652041-G-T.
Other names: c.-86G>T (NM_001370598.1); short protein forms R34L.
Identifiers: ClinVar variation 5000507 (VCV005000507.1).
Genomic context (GRCh38, chr12:111,214,237, plus strand): 5'-TTTTTTTTTTTTTATTGTTCCAGAAGGAGCTTAATTCCGTCGCTTCTGAGCTGTCTGCAC[G>T]GCAGGAGGAGAGTGAACATTCTCATAAACATTTAATTGAACTCCGCCGGGAATTTAAGAA-3'
Protein context (NP_056082.2, residues 24-44): LNSVASELSA[Arg34Leu]QEESEHSHKH